The following is an entry in ClinVar:

ClinVar aggregate classification (germline): Conflicting classifications of pathogenicity. Review status: criteria provided, conflicting classifications (1 of 4 stars). 10 submissions from 10 submitters: Uncertain significance (8); Likely benign (2). Last evaluated 2025-10-30.

Conditions:
Familial cancer of breast. Also called: Hereditary breast cancer; hereditary breast carcinoma; BREAST CANCER, FAMILIAL. Identifiers: Orphanet 227535, MedGen C0346153, MONDO:0016419, OMIM 114480. Disease mechanism: loss of function.
Breast-ovarian cancer, familial, susceptibility to, 2 (BROVCA2). Also called: BRCA2 Hereditary Breast and Ovarian Cancer. Identifiers: Orphanet 145, MedGen C2675520, MONDO:0012933, OMIM 612555. Disease mechanism: loss of function.
Wilms tumor 1 (WT1). Also called: Wilms tumor, somatic. Identifiers: Orphanet 654, MedGen CN033288, MONDO:0008679, OMIM 194070.
Pancreatic cancer, susceptibility to, 2. Identifiers: Orphanet 1333, MedGen C3150546, MONDO:0013235, OMIM 613347.
Glioma susceptibility 3 (GLM3). Also called: Glioblastoma 3. Identifiers: Orphanet 182067, Orphanet 360, MedGen C2751641, MONDO:0013093, OMIM 613029.
Familial prostate cancer. Also called: Hereditary Prostate Cancer. Identifiers: MedGen C2931456, MONDO:0700275, OMIM 176807.
Fanconi anemia complementation group D1. Also called: BRCA2-Related Fanconi Anemia. Identifiers: Orphanet 319462, MedGen C1838457, MONDO:0011584, OMIM 605724.
Medulloblastoma (MDB). Also called: MEDULLOBLASTOMA PREDISPOSITION SYNDROME; Medulloblastoma, somatic. Identifiers: Orphanet 616, MedGen C0025149, MeSH D008527, MONDO:0007959, OMIM 155255, HP:0002885.
Hereditary cancer-predisposing syndrome. Also called: Hereditary Cancer Syndrome; Neoplastic Syndromes, Hereditary; Tumor predisposition; Hereditary neoplastic syndrome. Identifiers: Orphanet 140162, MedGen C0027672, MeSH D009386, MONDO:0015356.
Hereditary breast ovarian cancer syndrome. Also called: Hereditary breast and ovarian cancer; Hereditary breast and ovarian cancer syndrome (HBOC); Hereditary breast and/or ovarian cancer syndrome; Hereditary breast and ovarian cancer syndrome; Breast and ovarian cancer; BRCA1- and BRCA2-Associated Hereditary Breast and Ovarian Cancer. Identifiers: Orphanet 145, MedGen C0677776, MeSH D061325, MONDO:0003582. Disease mechanism: loss of function.

Allele frequency attached by ClinVar (database versions not stated): gnomAD exomes below 0.00001.
gnomAD v4.1: 1 of 1,613,264 alleles (0.000062%); highest among the groups gnomAD compares: Non-Finnish European, 0.000085%; no homozygotes.

Submissions (10):

Women's Health and Genetics/Laboratory Corporation of America, LabCorp
Classification: Uncertain significance. Last evaluated: 2025-10-30. Review status: criteria provided, single submitter. Criteria: LabCorp Variant Classification Summary - May 2015. Collection method: clinical testing. Allele origin: germline.
Comment: Variant summary: BRCA2 c.5353A>G (p.Thr1785Ala) results in a non-conservative amino acid change in the encoded protein sequence. Algorithms developed to predict the effect of missense changes on protein structure and function are either unavailable or do not agree on the potential impact of this missense change. The variant was absent in 250546 control chromosomes. The available data on variant occurrences in the general population are insufficient to allow any conclusion about variant significance. To our knowledge, no occurrence of c.5353A>G in individuals affected with BRCA2-related conditions and no experimental evidence demonstrating its impact on protein function have been reported. ClinVar contains an entry for this variant (Variation ID: 185709). Based on the evidence outlined above, the variant was classified as uncertain significance.

Labcorp Genetics (formerly Invitae), Labcorp
Classification: Uncertain significance for Hereditary breast ovarian cancer syndrome. Last evaluated: 2025-10-09. Review status: criteria provided, single submitter. Criteria: Invitae Variant Classification Sherloc (09022015). Collection method: clinical testing. Allele origin: germline.
Comment: This sequence change replaces threonine, which is neutral and polar, with alanine, which is neutral and non-polar, at codon 1785 of the BRCA2 protein (p.Thr1785Ala). This variant is not present in population databases (gnomAD no frequency). This variant has not been reported in the literature in individuals affected with BRCA2-related conditions. ClinVar contains an entry for this variant (Variation ID: 185709). Invitae Evidence Modeling of protein sequence and biophysical properties (such as structural, functional, and spatial information, amino acid conservation, physicochemical variation, residue mobility, and thermodynamic stability) indicates that this missense variant is not expected to disrupt BRCA2 protein function with a negative predictive value of 95%. In summary, the available evidence is currently insufficient to determine the role of this variant in disease. Therefore, it has been classified as a Variant of Uncertain Significance.

GeneDx
Classification: Uncertain significance. Last evaluated: 2025-07-03. Review status: criteria provided, single submitter. Criteria: GeneDx Variant Classification Process June 2021. Collection method: clinical testing. Allele origin: germline. Affected: yes.
Comment: Not observed at significant frequency in large population cohorts (gnomAD); In silico analysis supports that this missense variant has a deleterious effect on protein structure/function; Has not been previously published as pathogenic or benign to our knowledge; Also known as 5581A>G

Molecular Diagnostics Laboratory, Catalan Institute of Oncology
Classification: Likely benign for Hereditary cancer-predisposing syndrome. Last evaluated: 2025-05-06. Review status: criteria provided, single submitter. Criteria: ClinGen BRCA1BRCA2 ACMG Specifications BRCA2 V1.0.0. Collection method: clinical testing. Allele origin: germline.
Comment: PM2_Supporting, BP1_Strong c.5353A>G, located in exon 11 of the BRCA2 gene, is predicted to result in the substitution of threonine by alanine at codon 1785, p.(Thr1785Ala). This position is outside a (potentially) clinically important functional domain, and the SpliceAI algorithm predicts no significant impact on splicing (BP1_strong).It is not present in the population database gnomAD v2.1.1, non-cancer dataset (PM2_Supporting). To our knowledge, neither relevant clinical data nor well-established functional studies have been reported for this variant. This variant has been reported in the ClinVar database (1x likely benign, 6x uncertain significance), has not been reported in LOVD, and it has not been revised by the expert panel in BRCA Exchange database. Based on currently available information, the variant c.5353A>G should be considered a likely benign variant according to ClinGen ENIGMA BRCA1 and BRCA2 Expert Panel Specifications to the ACMG/AMP Variant Interpretation Guidelines for BRCA2 Version 1.0.0.

Fulgent Genetics
Classification: Uncertain significance for Familial cancer of breast; Medulloblastoma; Familial prostate cancer; Wilms tumor 1; Fanconi anemia complementation group D1; Breast-ovarian cancer, familial, susceptibility to, 2; Glioma susceptibility 3; Pancreatic cancer, susceptibility to, 2. Last evaluated: 2024-03-24. Review status: criteria provided, single submitter. Criteria: ACMG Guidelines, 2015. Collection method: clinical testing. Allele origin: germline.

Ambry Genetics
Classification: Uncertain significance for Hereditary cancer-predisposing syndrome. Last evaluated: 2024-02-20. Review status: criteria provided, single submitter. Criteria: Ambry Variant Classification Scheme 2023. Collection method: clinical testing. Allele origin: germline.
Comment: The p.T1785A variant (also known as c.5353A>G), located in coding exon 10 of the BRCA2 gene, results from an A to G substitution at nucleotide position 5353. The threonine at codon 1785 is replaced by alanine, an amino acid with similar properties. This amino acid position is not well conserved in available vertebrate species. In addition, this alteration is predicted to be tolerated by in silico analysis. Since supporting evidence is limited at this time, the clinical significance of this alteration remains unclear.

All of Us Research Program, National Institutes of Health
Classification: Uncertain significance for Breast-ovarian cancer, familial, susceptibility to, 2. Last evaluated: 2023-12-13. Review status: criteria provided, single submitter. Criteria: ACMG Guidelines, 2015. Collection method: clinical testing. Allele origin: germline. Inheritance: Autosomal dominant inheritance. Observed: 2 variant alleles, 2 heterozygotes.
Comment: This missense variant replaces threonine with alanine at codon 1785 of the BRCA2 protein. Computational prediction suggests that this variant may not impact protein structure and function (internally defined REVEL score threshold <= 0.5, PMID: 27666373). To our knowledge, functional studies have not been reported for this variant. This variant has not been reported in individuals affected with BRCA2-related disorders in the literature. This variant has not been identified in the general population by the Genome Aggregation Database (gnomAD). The available evidence is insufficient to determine the role of this variant in disease conclusively. Therefore, this variant is classified as a Variant of Uncertain Significance.

This study involves interpretation of variants in research participants for the purpose of population health screening. Participant phenotype was not available at the time of variant classification. Additional details can be found in publication PMID: 35346344, PMCID: PMC8962531

Color Diagnostics, LLC DBA Color Health
Classification: Uncertain significance for Hereditary cancer-predisposing syndrome. Last evaluated: 2023-03-29. Review status: criteria provided, single submitter. Criteria: ACMG Guidelines, 2015. Collection method: clinical testing. Allele origin: germline.
Comment: This missense variant replaces threonine with alanine at codon 1785 of the BRCA2 protein. Computational prediction suggests that this variant may not impact protein structure and function (internally defined REVEL score threshold <= 0.5, PMID: 27666373). To our knowledge, functional studies have not been reported for this variant. This variant has not been reported in individuals affected with BRCA2-related disorders in the literature. This variant has not been identified in the general population by the Genome Aggregation Database (gnomAD). The available evidence is insufficient to determine the role of this variant in disease conclusively. Therefore, this variant is classified as a Variant of Uncertain Significance.

University of Washington Department of Laboratory Medicine, University of Washington
Classification: Likely benign for Hereditary cancer-predisposing syndrome. Last evaluated: 2023-03-23. Review status: criteria provided, single submitter. Criteria: Dines et al. (Genet Med. 2020). Collection method: curation. Allele origin: germline.
Comment: Missense variant in a coldspot region where missense variants are very unlikely to be pathogenic (PMID:31911673).

BRCA2 exon 11 coldspot. Reclassification based on statistical prior probability.

Quest Diagnostics Nichols Institute San Juan Capistrano
Classification: Uncertain significance. Last evaluated: 2018-09-17. Review status: criteria provided, single submitter. Criteria: Quest Diagnostics criteria. Collection method: clinical testing. Allele origin: germline.

NM_000059.4(BRCA2):c.5353A>G (p.Thr1785Ala)

Gene: BRCA2 (BRCA2 DNA repair associated; plus strand). Cytogenetic location: 13q13.1.
Variant type: single nucleotide variant.
Coding change: c.5353A>G on transcript NM_000059.4 (MANE Select); coding-DNA position 5353, A replaced by G.
Protein change: p.Thr1785Ala; replaces threonine 1785 with alanine.
Molecular consequence: missense variant.
Genome position (GRCh38, 1-based): chr13:32,339,708, A>G. VCF-style: chr13-32339708-A-G. GRCh37 (hg19) VCF-style: chr13-32913845-A-G.
Other names: short protein forms T1785A.
Identifiers: ClinVar variation 185709 (VCV000185709.34), dbSNP rs786202394, ClinGen allele CA022130.